The following is an entry in ClinVar:

NM_000760.4(CSF3R):c.997G>T (p.Ala333Ser)

Gene: CSF3R (colony stimulating factor 3 receptor; minus strand). Cytogenetic location: 1p34.3.
Variant type: single nucleotide variant.
Coding change: c.997G>T on transcript NM_000760.4 (MANE Select); coding-DNA position 997, G replaced by T.
Protein change: p.Ala333Ser; replaces alanine 333 with serine.
Molecular consequence: missense variant.
Genome position (GRCh38, 1-based): chr1:36,472,238, C>A on the plus strand (G>T on the coding strand, the complement: CSF3R is on the minus strand). VCF-style: chr1-36472238-C-A. GRCh37 (hg19) VCF-style: chr1-36937839-C-A.
Other names: c.997G>T, p.Ala333Ser (NM_156039.3, NM_172313.3); short protein forms A333S.
Identifiers: ClinVar variation 4731130 (VCV004731130.1).
Genomic context (GRCh38, chr1:36,472,238, plus strand): 5'-GGGGCCTGGGGCCTGGACTGGATACTGTTGGCTGCTCCCAGCCTCTCATCACCTCCTTAC[C>A]CCGTTCGGTAGTTCTCAGCTCCAGGCTGGGGCTCCAGTCGCTCCAGTGGCCAGGCAGGGG-3'
Protein context (NP_000751.1, residues 323-343): PSLELRTTER[Ala333Ser]PTVRLDTWWR

ClinVar aggregate classification (germline): Uncertain significance (1 of 4 stars; one submission).

Conditions:
Autosomal recessive severe congenital neutropenia due to CSF3R deficiency. Also called: Neutropenia, severe congenital, 7, autosomal recessive. Identifiers: Orphanet 420702, MedGen C4310764, MONDO:0014865, OMIM 617014.

Submission:

Labcorp Genetics (formerly Invitae), Labcorp
Classification: Uncertain significance for Autosomal recessive severe congenital neutropenia due to CSF3R deficiency. Last evaluated: 2025-11-18. Review status: criteria provided, single submitter. Criteria: Invitae Variant Classification Sherloc (09022015). Collection method: clinical testing. Allele origin: germline.
Comment: This sequence change replaces alanine, which is neutral and non-polar, with serine, which is neutral and polar, at codon 333 of the CSF3R protein (p.Ala333Ser). This variant also falls at the last nucleotide of exon 8, which is part of the consensus splice site for this exon. This variant is not present in population databases (gnomAD no frequency). This variant has not been reported in the literature in individuals affected with CSF3R-related conditions. An algorithm developed to predict the effect of missense changes on protein structure and function (PolyPhen-2) suggests that this variant is likely to be tolerated. Variants that disrupt the consensus splice site are a relatively common cause of aberrant splicing (PMID: 17576681, 9536098). Algorithms developed to predict the effect of sequence changes on RNA splicing suggest that this variant may disrupt the consensus splice site. In summary, the available evidence is currently insufficient to determine the role of this variant in disease. Therefore, it has been classified as a Variant of Uncertain Significance.

Literature cited by the submitters: PubMed 17576681; PubMed 9536098.